The following is an entry in ClinVar:

ClinVar aggregate classification (germline): Uncertain significance (1 of 4 stars; one submission).

Conditions:
Bardet-Biedl syndrome (BBS). Identifiers: Orphanet 110, MedGen C0752166, MONDO:0015229.

Submission:

Labcorp Genetics (formerly Invitae), Labcorp
Classification: Uncertain significance for Bardet-Biedl syndrome. Last evaluated: 2022-03-10. Review status: criteria provided, single submitter. Criteria: Invitae Variant Classification Sherloc (09022015). Collection method: clinical testing. Allele origin: germline.
Comment: In summary, the available evidence is currently insufficient to determine the role of this variant in disease. Therefore, it has been classified as a Variant of Uncertain Significance. Variants that disrupt the consensus splice site are a relatively common cause of aberrant splicing (PMID: 17576681, 9536098). Algorithms developed to predict the effect of sequence changes on RNA splicing suggest that this variant may disrupt the consensus splice site. ClinVar contains an entry for this variant (Variation ID: 1043405). This variant has not been reported in the literature in individuals affected with TTC8-related conditions. This variant is not present in population databases (gnomAD no frequency). This sequence change affects a donor splice site in intron 14 of the TTC8 gene. While this variant is not anticipated to result in nonsense mediated decay, it likely alters RNA splicing and results in a disrupted protein product.

Literature cited by the submitters: PubMed 17576681; PubMed 9536098.

NM_144596.4(TTC8):c.1431+1G>T

Gene: TTC8 (tetratricopeptide repeat domain 8; plus strand). Cytogenetic location: 14q31.3.
Variant type: single nucleotide variant.
Coding change: c.1431+1G>T on transcript NM_144596.4 (MANE Select); the canonical splice donor site of the intron after coding-DNA position 1431, G replaced by T.
Molecular consequence: splice donor variant. On other transcripts: intron variant (2).
Genome position (GRCh38, 1-based): chr14:88,875,110, G>T. VCF-style: chr14-88875110-G-T. GRCh37 (hg19) VCF-style: chr14-89341454-G-T.
Other names: c.837+1G>T (NM_001288782.1); c.1479+1G>T (NM_001288781.1); c.1401+1G>T (NM_198309.3); c.714+1G>T (NM_001288783.1); c.1311+1G>T (NM_198310.3); c.1318-2184G>T (NM_001366535.2); c.1228-2184G>T (NM_001366536.2).
Identifiers: ClinVar variation 1043405 (VCV001043405.7), dbSNP rs779743153, ClinGen allele CA390554285.
Genomic context (GRCh38, chr14:88,875,110, plus strand): 5'-TCATCATTAGCACCCCATATGTATGAACCGCATTTTAATTTTGCAACAATCTCTGATAAG[G>T]TATTCTCTTTCTTCATTAATTTATCATCTGATCTGTTCTTTTTTTTTCTTTGTTTTAAAA-3'